The following is an entry in ClinVar:

NM_001089.3(ABCA3):c.1897C>T (p.Leu633=)

Gene: ABCA3 (ATP binding cassette subfamily A member 3; minus strand). Cytogenetic location: 16p13.3.
Variant type: single nucleotide variant.
Coding change: c.1897C>T on transcript NM_001089.3 (MANE Select); coding-DNA position 1897, C replaced by T.
Protein change: p.Leu633=; no amino-acid change (leucine 633 retained).
Molecular consequence: synonymous variant.
Genome position (GRCh38, 1-based): chr16:2,297,921, G>A on the plus strand (C>T on the coding strand, the complement: ABCA3 is on the minus strand). VCF-style: chr16-2297921-G-A. GRCh37 (hg19) VCF-style: chr16-2347922-G-A.
Other names: c.1897C>T (NM_001089.2).
Identifiers: ClinVar variation 4709514 (VCV004709514.2).
Genomic context (GRCh38, chr16:2,297,921, plus strand): 5'-CGATGATGTGCAGCATCTGCTTGACTTCTTCAGGGCACTTCTGACGTGACAGGCCCTTCA[G>A]CTGCAACGACAGGGGACGCAGGGAGATGCAGGGCTCCTGGCGGGAGGCCGACCCTGGCCA-3'
Protein context (NP_001080.2, residues 623-643): VAEHLYFYAQ[Leu633=]KGLSRQKCPE

ClinVar aggregate classification (germline): Conflicting classifications of pathogenicity. Review status: criteria provided, conflicting classifications (1 of 4 stars). 2 submissions from 2 submitters: Uncertain significance (1); Likely benign (1). Last evaluated 2026-01-05.

Conditions:
Hereditary pulmonary alveolar proteinosis. Also called: Pulmonary surfactant metabolism dysfunction. Identifiers: Orphanet 264675, MedGen C3711368, MONDO:0012580.

Submissions (2):

Ambry Genetics
Classification: Likely benign for Hereditary pulmonary alveolar proteinosis. Last evaluated: 2026-01-05. Review status: criteria provided, single submitter. Criteria: Ambry Variant Classification Scheme 2023. Collection method: clinical testing. Allele origin: germline.

Labcorp Genetics (formerly Invitae), Labcorp
Classification: Uncertain significance. Last evaluated: 2025-04-04. Review status: criteria provided, single submitter. Criteria: Invitae Variant Classification Sherloc (09022015). Collection method: clinical testing. Allele origin: germline.
Comment: This sequence change affects codon 633 of the ABCA3 mRNA. It is a 'silent' change, meaning that it does not change the encoded amino acid sequence of the ABCA3 protein. It affects a nucleotide within the consensus splice site. This variant is not present in population databases (gnomAD no frequency). This variant has not been reported in the literature in individuals affected with ABCA3-related conditions. Algorithms developed to predict the effect of sequence changes on RNA splicing suggest that this variant is not likely to affect RNA splicing. In summary, the available evidence is currently insufficient to determine the role of this variant in disease. Therefore, it has been classified as a Variant of Uncertain Significance.